The following is an entry in ClinVar:

ClinVar aggregate classification (germline): Uncertain significance. Review status: criteria provided, multiple submitters, no conflicts (2 of 4 stars). 2 submissions from 2 submitters: Uncertain significance (2). Last evaluated 2025-11-22.

Conditions:
Long QT syndrome (LQTS). Identifiers: MedGen C0023976, MeSH D008133, MONDO:0002442. Disease mechanism: loss of function. Inheritance: Various modes of inheritance.

Allele frequency attached by ClinVar (database versions not stated): ExAC 0.00001; gnomAD 0.00001; gnomAD exomes 0.00001 and 0.00003.
gnomAD v4.1: 12 of 1,613,920 alleles (0.00074%); highest among the groups gnomAD compares: Admixed American, 0.013%; no homozygotes.

Submissions (2):

Labcorp Genetics (formerly Invitae), Labcorp
Classification: Uncertain significance for Long QT syndrome. Last evaluated: 2025-11-22. Review status: criteria provided, single submitter. Criteria: Invitae Variant Classification Sherloc (09022015). Collection method: clinical testing. Allele origin: germline.
Comment: This sequence change replaces alanine, which is neutral and non-polar, with threonine, which is neutral and polar, at codon 1682 of the CACNA1C protein (p.Ala1682Thr). This variant is present in population databases (rs746554838, gnomAD 0.01%). This variant has not been reported in the literature in individuals affected with CACNA1C-related conditions. ClinVar contains an entry for this variant (Variation ID: 1310542). Invitae Evidence Modeling of protein sequence and biophysical properties (such as structural, functional, and spatial information, amino acid conservation, physicochemical variation, residue mobility, and thermodynamic stability) has been performed for this missense variant. However, the output from this modeling did not meet the statistical confidence thresholds required to predict the impact of this variant on CACNA1C protein function. In summary, the available evidence is currently insufficient to determine the role of this variant in disease. Therefore, it has been classified as a Variant of Uncertain Significance.

GeneDx
Classification: Uncertain significance. Last evaluated: 2021-01-20. Review status: criteria provided, single submitter. Criteria: GeneDx Variant Classification Process June 2021. Collection method: clinical testing. Allele origin: germline. Affected: yes.
Comment: Has not been previously published as pathogenic or benign to our knowledge; In silico analysis, which includes protein predictors and evolutionary conservation, supports that this variant does not alter protein structure/function

NM_000719.7(CACNA1C):c.5044G>A (p.Ala1682Thr)

Genes: CACNA1C (calcium voltage-gated channel subunit alpha1 C; plus strand), CACNA1C-AS1 (CACNA1C antisense RNA 1; minus strand). Cytogenetic location: 12p13.33.
Variant type: single nucleotide variant.
Coding change: c.5044G>A on transcript NM_000719.7 (MANE Select); coding-DNA position 5044, G replaced by A.
Protein change: p.Ala1682Thr; replaces alanine 1682 with threonine.
Molecular consequence: missense variant. On other transcripts: non-coding transcript variant (1).
Genome position (GRCh38, 1-based): chr12:2,677,820, G>A. VCF-style: chr12-2677820-G-A. GRCh37 (hg19) VCF-style: chr12-2786986-G-A.
Other names: c.5188G>A, p.Ala1730Thr (NM_001129827.2, NM_199460.4); c.5167G>A, p.Ala1723Thr (NM_001129829.2); c.5044G>A, p.Ala1682Thr (NM_001129830.3, NM_001129840.2, NM_001129841.2 and 4 more transcripts); c.5128G>A, p.Ala1710Thr (NM_001129831.2); c.5104G>A, p.Ala1702Thr (NM_001129832.2); c.5101G>A, p.Ala1701Thr (NM_001129833.2, NM_001129834.2, NM_001129835.2); c.5095G>A, p.Ala1699Thr (NM_001129836.2); c.5068G>A, p.Ala1690Thr (NM_001129837.2, NM_001129838.2); and 3 more; short protein forms A1671T, A1679T, A1682T, A1688T, A1690T, A1699T, A1701T, A1702T.
Identifiers: ClinVar variation 1310542 (VCV001310542.9), dbSNP rs746554838, ClinGen allele CA6389683.
Genomic context (GRCh38, chr12:2,677,820, plus strand): 5'-GGGCCTGAGATCCGACGGGCCATCTCTGGAGATCTCACCGCTGAGGAGGAGCTGGACAAG[G>A]CCATGAAGGAGGCTGTGTCCGCTGCTTCTGAAGATGACATCTTCAGGGTGGGTGGTGCCA-3'
Protein context (NP_000710.5, residues 1672-1692): DLTAEEELDK[Ala1682Thr]MKEAVSAASE